The following is an entry in ClinVar:

NM_000638.4(VTN):c.891C>T (p.Ser297=)

Gene: VTN (vitronectin; minus strand). Cytogenetic location: 17q11.2.
Variant type: single nucleotide variant.
Coding change: c.891C>T on transcript NM_000638.4 (MANE Select); coding-DNA position 891, C replaced by T.
Protein change: p.Ser297=; no amino-acid change (serine 297 retained).
Molecular consequence: synonymous variant.
Genome position (GRCh38, 1-based): chr17:28,368,609, G>A on the plus strand (C>T on the coding strand, the complement: VTN is on the minus strand). VCF-style: chr17-28368609-G-A. GRCh37 (hg19) VCF-style: chr17-26695630-G-A.
Identifiers: ClinVar variation 782607 (VCV000782607.7), dbSNP rs34134929, ClinGen allele CA8457493.
Genomic context (GRCh38, chr17:28,368,609, plus strand): 5'-GAAGATGTCCTCCCAGCTGTCCCGCTGCATCATGGCAAAGTGTTCAAACACAGCCGACAG[G>A]GAGCTGCCTTCACACTCCTCCTGACTGGGCTGGTGCTGGAACTGGTACTCCCAGTACTGT-3'
Protein context (NP_000629.3, residues 287-307): QPSQEECEGS[Ser297=]LSAVFEHFAM

ClinVar aggregate classification (germline): Benign/Likely benign. Review status: criteria provided, multiple submitters, no conflicts (2 of 4 stars). 3 submissions from 3 submitters: Benign (1); Likely benign (1). 1 of the submissions does not count toward it. Last evaluated 2024-09-04.

Conditions:
VTN-related disorder. Also called: VTN-related condition.

Allele frequency attached by ClinVar (database versions not stated): gnomAD exomes 0.00088; ExAC 0.00111; gnomAD 0.00369 and 0.00394; 1000 Genomes Project 30x 0.00422; TOPMed 0.00424; ESP Exome Variant Server 0.00438; 1000 Genomes Project 0.00479.
gnomAD v4.1: 1,072 of 1,613,990 alleles (0.066%); highest among the groups gnomAD compares: African/African-American, 1.3%; 7 homozygotes.

Submissions (3):

Blueprint Genetics
Classification: Likely benign. Last evaluated: 2024-09-04. Review status: criteria provided, single submitter. Criteria: ACMG Guidelines, 2015. Collection method: clinical testing. Allele origin: germline.

Labcorp Genetics (formerly Invitae), Labcorp
Classification: Benign. Last evaluated: 2019-12-31. Review status: criteria provided, single submitter. Criteria: Invitae Variant Classification Sherloc (09022015). Collection method: clinical testing. Allele origin: germline.

PreventionGenetics, part of Exact Sciences
Classification: Benign for VTN-related condition. Last evaluated: 2020-01-13. Review status: no assertion criteria provided. Collection method: clinical testing. Allele origin: germline. Not counted in ClinVar's aggregate classification.
Comment: This variant is classified as benign based on ACMG/AMP sequence variant interpretation guidelines (Richards et al. 2015 PMID: 25741868, with internal and published modifications).